The following is an entry in ClinVar:

ClinVar aggregate classification (germline): Uncertain significance (1 of 4 stars; one submission).

Conditions:
Arrhythmogenic right ventricular cardiomyopathy (ARVD). Also called: Arrhythmogenic right ventricular dysplasia; Cardiomyopathy, ARVC; Arrhythmogenic cardiomyopathy; Arrhythmogenic Right Ventricular Cardiomyopathy (ARVC). Identifiers: Orphanet 247, MedGen C0349788, MeSH D019571, MONDO:0016587. Disease mechanism: loss of function. Inheritance: Various modes of inheritance.

gnomAD v4.1: 1 of 1,614,194 alleles (0.000062%); highest among the groups gnomAD compares: Non-Finnish European, 0.000085%; no homozygotes.

Submission:

All of Us Research Program, National Institutes of Health
Classification: Uncertain significance for Arrhythmogenic right ventricular cardiomyopathy. Last evaluated: 2024-07-20. Review status: criteria provided, single submitter. Criteria: ACMG Guidelines, 2015. Collection method: clinical testing. Allele origin: germline. Inheritance: Autosomal dominant inheritance. Observed: 1 variant allele, 1 heterozygote.
Comment: This missense variant replaces asparagine with histidine at codon 808 of the DSG2 protein. Computational prediction suggests that this variant may not impact protein structure and function (internally defined REVEL score threshold <= 0.5, PMID: 27666373). To our knowledge, functional studies have not been reported for this variant. This variant has not been reported in individuals affected with DSG2-related disorders in the literature. This variant has not been identified in the general population by the Genome Aggregation Database (gnomAD). The available evidence is insufficient to determine the role of this variant in disease conclusively. Therefore, this variant is classified as a Variant of Uncertain Significance.

This study involves interpretation of variants in research participants for the purpose of population health screening. Participant phenotype was not available at the time of variant classification. Additional details can be found in publication PMID: 35346344, PMCID: PMC8962531

NM_001943.5(DSG2):c.2422A>C (p.Asn808His)

Genes: DSG2 (desmoglein 2; plus strand), DSG2-AS1 (DSG2 antisense RNA 1; minus strand). Cytogenetic location: 18q12.1.
Variant type: single nucleotide variant.
Coding change: c.2422A>C on transcript NM_001943.5 (MANE Select); coding-DNA position 2422, A replaced by C.
Protein change: p.Asn808His; replaces asparagine 808 with histidine.
Molecular consequence: missense variant. On other transcripts: non-coding transcript variant (1).
Genome position (GRCh38, 1-based): chr18:31,545,808, A>C. VCF-style: chr18-31545808-A-C. GRCh37 (hg19) VCF-style: chr18-29125771-A-C.
Other names: short protein forms N808H.
Identifiers: ClinVar variation 3386602 (VCV003386602.1).